The following is an entry in ClinVar:

NM_014639.4(SKIC3):c.3847G>A (p.Asp1283Asn)

Gene: SKIC3 (SKI3 subunit of superkiller complex; minus strand). Cytogenetic location: 5q15.
Variant type: single nucleotide variant.
Coding change: c.3847G>A on transcript NM_014639.4 (MANE Select); coding-DNA position 3847, G replaced by A.
Protein change: p.Asp1283Asn; replaces aspartic acid 1283 with asparagine.
Molecular consequence: missense variant.
Genome position (GRCh38, 1-based): chr5:95,490,992, C>T on the plus strand (G>A on the coding strand, the complement: SKIC3 is on the minus strand). VCF-style: chr5-95490992-C-T. GRCh37 (hg19) VCF-style: chr5-94826696-C-T.
Other names: short protein forms D1283N.
Identifiers: ClinVar variation 2627236 (VCV002627236.1), dbSNP rs2530705956, ClinGen allele CA360447831.

ClinVar aggregate classification (germline): Uncertain significance (1 of 4 stars; one submission).

Allele frequency attached by ClinVar (database versions not stated): gnomAD exomes below 0.00001.
gnomAD v4.1: 1 of 1,614,060 alleles (0.000062%); highest among the groups gnomAD compares: Non-Finnish European, 0.000085%; no homozygotes.

Submission:

Women's Health and Genetics/Laboratory Corporation of America, LabCorp
Classification: Uncertain significance. Last evaluated: 2023-09-01. Review status: criteria provided, single submitter. Criteria: LabCorp Variant Classification Summary - May 2015. Collection method: clinical testing. Allele origin: germline.
Comment: Variant summary: TTC37 c.3847G>A (p.Asp1283Asn) results in a conservative amino acid change in the encoded protein sequence. Three of five in-silico tools predict a benign effect of the variant on protein function. The variant was absent in 251236 control chromosomes (gnomAD). The available data on variant occurrences in the general population are insufficient to allow any conclusion about variant significance. c.3847G>A has been reported in the literature in individuals affected with Trichohepatoenteric Syndrome (example: Hartley_2010). This report does not provide unequivocal conclusions about association of the variant with Trichohepatoenteric Syndrome. To our knowledge, no experimental evidence demonstrating an impact on protein function has been reported. The following publication has been ascertained in the context of this evaluation (PMID: 20176027). No submitters have cited clinical-significance assessments for this variant to ClinVar after 2014. Based on the evidence outlined above, the variant was classified as uncertain significance.

Literature cited by the submitters: PubMed 20176027.